The following is an entry in ClinVar:

NM_005581.5(BCAM):c.996C>T (p.Ser332=)

Gene: BCAM (basal cell adhesion molecule (Lutheran blood group); plus strand). Cytogenetic location: 19q13.32.
Variant type: single nucleotide variant.
Coding change: c.996C>T on transcript NM_005581.5 (MANE Select); coding-DNA position 996, C replaced by T.
Protein change: p.Ser332=; no amino-acid change (serine 332 retained).
Molecular consequence: synonymous variant.
Genome position (GRCh38, 1-based): chr19:44,814,678, C>T. VCF-style: chr19-44814678-C-T. GRCh37 (hg19) VCF-style: chr19-45317935-C-T.
Other names: c.996C>T, p.Ser332= (NM_001013257.2).
Identifiers: ClinVar variation 3033455 (VCV003033455.2), dbSNP rs375498217, ClinGen allele CA9504610.

ClinVar aggregate classification (germline): Likely benign (0 of 4 stars; one submission).

Conditions:
BCAM-related disorder. Also called: BCAM-related condition.

Allele frequency attached by ClinVar (database versions not stated): gnomAD 0.00002; TOPMed 0.00003; ExAC 0.00005; ESP Exome Variant Server 0.00008.
gnomAD v4.1: 91 of 1,613,902 alleles (0.0056%); highest among the groups gnomAD compares: Non-Finnish European, 0.0072%; no homozygotes.

Submission:

PreventionGenetics, part of Exact Sciences
Classification: Likely benign for BCAM-related condition. Last evaluated: 2019-06-11. Review status: no assertion criteria provided. Collection method: clinical testing. Allele origin: germline.
Comment: This variant is classified as likely benign based on ACMG/AMP sequence variant interpretation guidelines (Richards et al. 2015 PMID: 25741868, with internal and published modifications).